The following is an entry in ClinVar:

NM_001378454.1(ALMS1):c.3701C>T (p.Pro1234Leu)

Gene: ALMS1 (ALMS1 centrosome and basal body associated protein; plus strand). Cytogenetic location: 2p13.1.
Variant type: single nucleotide variant.
Coding change: c.3701C>T on transcript NM_001378454.1 (MANE Select); coding-DNA position 3701, C replaced by T.
Protein change: p.Pro1234Leu; replaces proline 1234 with leucine.
Molecular consequence: missense variant.
Genome position (GRCh38, 1-based): chr2:73,450,228, C>T. VCF-style: chr2-73450228-C-T. GRCh37 (hg19) VCF-style: chr2-73677355-C-T.
Other names: c.3704C>T, p.Pro1235Leu (NM_015120.4); short protein forms P1234L, P1235L.
Identifiers: ClinVar variation 2199345 (VCV002199345.2), dbSNP rs565214018, ClinGen allele CA1713576.

ClinVar aggregate classification (germline): Conflicting classifications of pathogenicity. Review status: criteria provided, conflicting classifications (1 of 4 stars). 2 submissions from 2 submitters: Uncertain significance (1); Likely benign (1). Last evaluated 2023-11-01.

Conditions:
Cardiovascular phenotype. Identifiers: MedGen CN230736.
Alstrom syndrome (ALMS). Identifiers: Orphanet 64, MedGen C0268425, MONDO:0008763, OMIM 203800.

Allele frequency attached by ClinVar (database versions not stated): gnomAD exomes below 0.00001; ExAC 0.00001; gnomAD 0.00001; 1000 Genomes Project 0.00020; 1000 Genomes Project 30x 0.00031.
gnomAD v4.1: 3 of 1,613,188 alleles (0.00019%); highest among the groups gnomAD compares: African/African-American, 0.004%; no homozygotes.

Submissions (2):

Ambry Genetics
Classification: Likely benign for Cardiovascular phenotype. Last evaluated: 2023-11-01. Review status: criteria provided, single submitter. Criteria: Ambry Variant Classification Scheme 2023. Collection method: clinical testing. Allele origin: germline.

Labcorp Genetics (formerly Invitae), Labcorp
Classification: Uncertain significance for Alstrom syndrome. Last evaluated: 2022-02-22. Review status: criteria provided, single submitter. Criteria: Invitae Variant Classification Sherloc (09022015). Collection method: clinical testing. Allele origin: germline.
Comment: This sequence change replaces proline, which is neutral and non-polar, with leucine, which is neutral and non-polar, at codon 1235 of the ALMS1 protein (p.Pro1235Leu). This variant is present in population databases (rs565214018, gnomAD 0.01%). This variant has not been reported in the literature in individuals affected with ALMS1-related conditions. Experimental studies and prediction algorithms are not available or were not evaluated, and the functional significance of this variant is currently unknown. In summary, the available evidence is currently insufficient to determine the role of this variant in disease. Therefore, it has been classified as a Variant of Uncertain Significance.